The following is an entry in ClinVar:

NM_000521.4(HEXB):c.1433AAC[1] (p.Gln479del)

Gene: HEXB (hexosaminidase subunit beta; plus strand). Cytogenetic location: 5q13.3.
Variant type: Microsatellite.
Coding change: c.1433AAC[1] on transcript NM_000521.4 (MANE Select); one copy of the 3-base unit AAC starting at c.1433; the reference has two copies in a row; one copy, 3 bases deleted.
Protein change: p.Gln479del; deletes glutamine 479.
Molecular consequence: inframe deletion.
Genome position (GRCh38, 1-based): chr5:74,720,446-74,720,448, AAC deleted; deleting any 3 consecutive bases within chr5:74,720,443-74,720,448 gives the same sequence; the position shown is the placement nearest the transcript's 3' end. VCF-style (leftmost placement, unchanged base first): chr5-74720442-AAAC-A. GRCh37 (hg19) VCF-style: chr5-74016267-AAAC-A.
Other names: c.758AAC[1], p.Gln254del (NM_001292004.2); short protein forms Q254del, Q479del.
Identifiers: ClinVar variation 5004041 (VCV005004041.1).

ClinVar aggregate classification (germline): Uncertain significance (1 of 4 stars; one submission).

Conditions:
Sandhoff disease. Also called: Beta-hexosaminidase-beta-subunit deficiency; GM2 gangliosidosis, type 2; Total hexosaminidase deficiency; Sandhoff-Jatzkewitz-Pilz disease; GM2-GANGLIOSIDOSIS, TYPE II; HEXOSAMINIDASES A AND B DEFICIENCY. Identifiers: Orphanet 796, MedGen C0036161, MONDO:0010006, OMIM 268800.

Submission:

Myriad Genetics, Inc.
Classification: Uncertain significance for Sandhoff disease. Last evaluated: 2026-05-19. Review status: criteria provided, single submitter. Criteria: Myriad Autosomal Dominant, Autosomal Recessive and X-Linked Classification Criteria (2023). Collection method: clinical testing. Allele origin: unknown.
Comment: NM_000521.3(HEXB):c.1436_1438delAAC(Q479del) is an in-frame deletion classified as a variant of uncertain significance in the context of Sandhoff disease. Q479del has not been observed in cases with relevant disease. Relevant functional assessments of this variant are not available in the literature. Q479del has not been observed in referenced population frequency databases. In summary, there is insufficient evidence to classify NM_000521.3(HEXB):c.1436_1438delAAC(Q479del) as pathogenic or benign. Please note: this variant was assessed in the context of healthy population screening.